The following is an entry in ClinVar:

ClinVar aggregate classification (germline): Uncertain significance (1 of 4 stars; one submission).

Submission:

Labcorp Genetics (formerly Invitae), Labcorp
Classification: Uncertain significance. Last evaluated: 2022-04-18. Review status: criteria provided, single submitter. Criteria: Invitae Variant Classification Sherloc (09022015). Collection method: clinical testing. Allele origin: germline.
Comment: In summary, the available evidence is currently insufficient to determine the role of this variant in disease. Therefore, it has been classified as a Variant of Uncertain Significance. Advanced modeling of protein sequence and biophysical properties (such as structural, functional, and spatial information, amino acid conservation, physicochemical variation, residue mobility, and thermodynamic stability) performed at Invitae indicates that this missense variant is not expected to disrupt WFS1 protein function. This variant has not been reported in the literature in individuals affected with WFS1-related conditions. This variant is not present in population databases (gnomAD no frequency). This sequence change replaces serine, which is neutral and polar, with threonine, which is neutral and polar, at codon 443 of the WFS1 protein (p.Ser443Thr).

NM_006005.3(WFS1):c.1328G>C (p.Ser443Thr)

Gene: WFS1 (wolframin ER transmembrane glycoprotein; plus strand). Cytogenetic location: 4p16.1.
Variant type: single nucleotide variant.
Coding change: c.1328G>C on transcript NM_006005.3 (MANE Select); coding-DNA position 1328, G replaced by C.
Protein change: p.Ser443Thr; replaces serine 443 with threonine.
Molecular consequence: missense variant.
Genome position (GRCh38, 1-based): chr4:6,301,123, G>C. VCF-style: chr4-6301123-G-C. GRCh37 (hg19) VCF-style: chr4-6302850-G-C.
Other names: c.1328G>C, p.Ser443Thr (NM_001145853.1); short protein forms S443T.
Identifiers: ClinVar variation 2127791 (VCV002127791.4), dbSNP rs1456411802, ClinGen allele CA356174686.